The following is an entry in ClinVar:

ClinVar aggregate classification (germline): Uncertain significance (1 of 4 stars; one submission).

gnomAD v4.1: 10 of 1,613,910 alleles (0.00062%); highest among the groups gnomAD compares: African/African-American, 0.008%; no homozygotes.

Submission:

GeneDx
Classification: Uncertain significance. Last evaluated: 2024-11-27. Review status: criteria provided, single submitter. Criteria: GeneDx Variant Classification Process June 2021. Collection method: clinical testing. Allele origin: germline. Affected: yes.
Comment: In silico analysis supports that this missense variant has a deleterious effect on protein structure/function; Has not been previously published as pathogenic or benign to our knowledge

NM_015213.4(DENND5A):c.605A>G (p.Tyr202Cys)

Gene: DENND5A (DENN domain containing 5A; minus strand). Cytogenetic location: 11p15.4.
Variant type: single nucleotide variant.
Coding change: c.605A>G on transcript NM_015213.4 (MANE Select); coding-DNA position 605, A replaced by G.
Protein change: p.Tyr202Cys; replaces tyrosine 202 with cysteine.
Molecular consequence: missense variant. On other transcripts: non-coding transcript variant (1).
Genome position (GRCh38, 1-based): chr11:9,204,004, T>C on the plus strand (A>G on the coding strand, the complement: DENND5A is on the minus strand). VCF-style: chr11-9204004-T-C. GRCh37 (hg19) VCF-style: chr11-9225551-T-C.
Other names: c.605A>G, p.Tyr202Cys (NM_001243254.2); c.533A>G, p.Tyr178Cys (NM_001348749.2); c.317A>G, p.Tyr106Cys (NM_001348750.2); short protein forms Y106C, Y178C, Y202C.
Identifiers: ClinVar variation 3900863 (VCV003900863.1).